The following is an entry in ClinVar:

ClinVar aggregate classification (germline): Uncertain significance. Review status: criteria provided, multiple submitters, no conflicts (2 of 4 stars). 2 submissions from 2 submitters: Uncertain significance (2). Last evaluated 2024-11-23.

Conditions:
Inborn genetic diseases. Identifiers: MedGen C0950123, MeSH D030342.
Cohen syndrome (COH1). Also called: Cutis verticis gyrata, retinitis pigmentosa, and sensorineural deafness; PEPPER SYNDROME. Identifiers: Orphanet 193, MedGen C0265223, MONDO:0008999, OMIM 216550.

gnomAD v4.1: 3 of 1,614,038 alleles (0.00019%); highest among the groups gnomAD compares: East Asian, 0.0067%; no homozygotes.

Submissions (2):

Labcorp Genetics (formerly Invitae), Labcorp
Classification: Uncertain significance for Cohen syndrome. Last evaluated: 2024-11-23. Review status: criteria provided, single submitter. Criteria: Invitae Variant Classification Sherloc (09022015). Collection method: clinical testing. Allele origin: germline.
Comment: This sequence change replaces proline, which is neutral and non-polar, with threonine, which is neutral and polar, at codon 1020 of the VPS13B protein (p.Pro1020Thr). This variant is present in population databases (no rsID available, gnomAD 0.01%). This variant has not been reported in the literature in individuals affected with VPS13B-related conditions. ClinVar contains an entry for this variant (Variation ID: 2165789). Invitae Evidence Modeling of protein sequence and biophysical properties (such as structural, functional, and spatial information, amino acid conservation, physicochemical variation, residue mobility, and thermodynamic stability) indicates that this missense variant is expected to disrupt VPS13B protein function with a positive predictive value of 80%. In summary, the available evidence is currently insufficient to determine the role of this variant in disease. Therefore, it has been classified as a Variant of Uncertain Significance.

Ambry Genetics
Classification: Uncertain significance for Inborn genetic diseases. Last evaluated: 2024-04-26. Review status: criteria provided, single submitter. Criteria: Ambry Variant Classification Scheme 2023. Collection method: clinical testing. Allele origin: germline.

NM_152564.5(VPS13B):c.3058C>A (p.Pro1020Thr)

Gene: VPS13B (vacuolar protein sorting 13 homolog B; plus strand). Cytogenetic location: 8q22.2.
Variant type: single nucleotide variant.
Coding change: c.3058C>A on transcript NM_152564.5 (MANE Select); coding-DNA position 3058, C replaced by A.
Protein change: p.Pro1020Thr; replaces proline 1020 with threonine.
Molecular consequence: missense variant.
Genome position (GRCh38, 1-based): chr8:99,391,680, C>A. VCF-style: chr8-99391680-C-A. GRCh37 (hg19) VCF-style: chr8-100403908-C-A.
Other names: c.3058C>A (NM_017890.3); c.3058C>A, p.Pro1020Thr (NM_017890.5); short protein forms P1020T.
Identifiers: ClinVar variation 2165789 (VCV002165789.4), dbSNP rs917905889, ClinGen allele CA371865832.